The following is an entry in ClinVar:

NM_002878.4(RAD51D):c.340A>C (p.Thr114Pro)

Genes: RAD51D (RAD51 paralog D; minus strand), RAD51L3-RFFL (RAD51L3-RFFL readthrough; minus strand). Cytogenetic location: 17q12.
Variant type: single nucleotide variant.
Coding change: c.340A>C on transcript NM_002878.4 (MANE Select); coding-DNA position 340, A replaced by C.
Protein change: p.Thr114Pro; replaces threonine 114 with proline.
Molecular consequence: missense variant. On other transcripts: non-coding transcript variant (2), intron variant (1).
Genome position (GRCh38, 1-based): chr17:35,107,371, T>G on the plus strand (A>C on the coding strand, the complement: RAD51D is on the minus strand). VCF-style: chr17-35107371-T-G. GRCh37 (hg19) VCF-style: chr17-33434390-T-G.
Other names: c.400A>C, p.Thr134Pro (NM_001142571.2); c.145-890A>C (NM_133629.3); short protein forms T114P, T134P.
Identifiers: ClinVar variation 1496477 (VCV001496477.10), dbSNP rs2142436441, ClinGen allele CA399089891.

ClinVar aggregate classification (germline): Uncertain significance. Review status: criteria provided, multiple submitters, no conflicts (2 of 4 stars). 3 submissions from 3 submitters: Uncertain significance (3). Last evaluated 2026-07-06.

Conditions:
Breast-ovarian cancer, familial, susceptibility to, 4. Identifiers: Orphanet 145, MedGen C3280345, MONDO:0013669, OMIM 614291.
Hereditary cancer-predisposing syndrome. Also called: Hereditary Cancer Syndrome; Tumor predisposition; Neoplastic Syndromes, Hereditary; Hereditary neoplastic syndrome. Identifiers: Orphanet 140162, MedGen C0027672, MeSH D009386, MONDO:0015356.

Submissions (3):

Ambry Genetics
Classification: Uncertain significance for Hereditary cancer-predisposing syndrome. Last evaluated: 2026-07-06. Review status: criteria provided, single submitter. Criteria: Ambry Variant Classification Scheme 2023. Collection method: clinical testing. Allele origin: germline.
Comment: The p.T114P variant (also known as c.340A>C), located in coding exon 4 of the RAD51D gene, results from an A to C substitution at nucleotide position 340. The threonine at codon 114 is replaced by proline, an amino acid with highly similar properties. This amino acid position is conserved. In addition, this alteration is predicted to be deleterious by in silico analysis. Based on the available evidence, the clinical significance of this variant remains unclear.

Labcorp Genetics (formerly Invitae), Labcorp
Classification: Uncertain significance for Breast-ovarian cancer, familial, susceptibility to, 4. Last evaluated: 2023-06-21. Review status: criteria provided, single submitter. Criteria: Invitae Variant Classification Sherloc (09022015). Collection method: clinical testing. Allele origin: germline.
Comment: This variant is not present in population databases (gnomAD no frequency). This sequence change replaces threonine, which is neutral and polar, with proline, which is neutral and non-polar, at codon 114 of the RAD51D protein (p.Thr114Pro). In summary, the available evidence is currently insufficient to determine the role of this variant in disease. Therefore, it has been classified as a Variant of Uncertain Significance. Advanced modeling of protein sequence and biophysical properties (such as structural, functional, and spatial information, amino acid conservation, physicochemical variation, residue mobility, and thermodynamic stability) performed at Invitae indicates that this missense variant is expected to disrupt RAD51D protein function. ClinVar contains an entry for this variant (Variation ID: 1496477). This variant has not been reported in the literature in individuals affected with RAD51D-related conditions.

GeneDx
Classification: Uncertain significance. Last evaluated: 2022-03-25. Review status: criteria provided, single submitter. Criteria: GeneDx Variant Classification Process June 2021. Collection method: clinical testing. Allele origin: germline. Affected: yes.
Comment: Not observed at significant frequency in large population cohorts (gnomAD); In silico analysis supports that this missense variant has a deleterious effect on protein structure/function; Has not been previously published as pathogenic or benign to our knowledge; This variant is associated with the following publications: (PMID: 21111057, 14704354)